The following is an entry in ClinVar:

ClinVar aggregate classification (germline): Likely benign (1 of 4 stars; one submission).

Conditions:
CPE-related disorder. Also called: CPE-related condition.

gnomAD v4.1: 4 of 1,610,096 alleles (0.00025%); highest among the groups gnomAD compares: African/African-American, 0.0053%; no homozygotes.

Submission:

PreventionGenetics, part of Exact Sciences
Classification: Likely benign for CPE-related condition. Last evaluated: 2026-06-08. Review status: criteria provided, single submitter. Criteria: ACMG Guidelines, 2015. Collection method: clinical testing. Allele origin: germline.
Comment: This variant is classified as likely benign based on ACMG/AMP sequence variant interpretation guidelines (Richards et al. 2015 PMID: 25741868, with internal and published modifications).

NM_001873.4(CPE):c.204G>C (p.Leu68=)

Gene: CPE (carboxypeptidase E; plus strand). Cytogenetic location: 4q32.3.
Variant type: single nucleotide variant.
Coding change: c.204G>C on transcript NM_001873.4 (MANE Select); coding-DNA position 204, G replaced by C.
Protein change: p.Leu68=; no amino-acid change (leucine 68 retained).
Molecular consequence: synonymous variant.
Genome position (GRCh38, 1-based): chr4:165,379,425, G>C. VCF-style: chr4-165379425-G-C. GRCh37 (hg19) VCF-style: chr4-166300577-G-C.
Identifiers: ClinVar variation 4992697 (VCV004992697.1).